The following is an entry in ClinVar:

NM_000228.3(LAMB3):c.993_1009delinsCTT (p.Phe332fs)

Gene: LAMB3 (laminin subunit beta 3; minus strand). Cytogenetic location: 1q32.2.
Variant type: Indel.
Coding change: c.993_1009delinsCTT on transcript NM_000228.3 (MANE Select); coding-DNA positions 993 to 1009, GTTTGCCGCCAGCCAGG replaced by CTT.
Protein change: p.Phe332fs; shifts the reading frame from phenylalanine 332.
Molecular consequence: frameshift variant.
Genome position (GRCh38, 1-based): chr1:209,629,860-209,629,876, CCTGGCTGGCGGCAAAC replaced by AAG on the plus strand (GTTTGCCGCCAGCCAGG replaced by CTT on the coding strand, the reverse complement: LAMB3 is on the minus strand). VCF-style: chr1-209629860-CCTGGCTGGCGGCAAAC-AAG. GRCh37 (hg19) VCF-style: chr1-209803205-CCTGGCTGGCGGCAAAC-AAG.
Other names: c.993_1009delinsCTT, p.Phe332fs (NM_001017402.2, NM_001127641.1); short protein forms F332fs.
Identifiers: ClinVar variation 5012325 (VCV005012325.1).

ClinVar aggregate classification (germline): Pathogenic (1 of 4 stars; one submission).

Conditions:
Junctional epidermolysis bullosa. Identifiers: Orphanet 305, MedGen C0079301, MONDO:0017612.

Submission:

Myriad Genetics, Inc.
Classification: Pathogenic for Junctional epidermolysis bullosa. Last evaluated: 2023-09-28. Review status: criteria provided, single submitter. Criteria: Myriad Autosomal Dominant, Autosomal Recessive and X-Linked Classification Criteria (2023). Collection method: clinical testing. Allele origin: unknown.
Comment: NM_000228.2(LAMB3):c.993_1009del17ins3(F332Lfs*8) is expected to be pathogenic in the context of junctional epidermolysis bullosa, LAMB3-related. This variant is predicted to lead to an abnormal or absent protein product due to the creation of a premature termination codon in LAMB3, a gene where loss-of-function variants are known to be pathogenic. Please note: this variant was assessed in the context of healthy population screening.